The following is an entry in ClinVar:

ClinVar aggregate classification (germline): Conflicting classifications of pathogenicity. Review status: criteria provided, conflicting classifications (1 of 4 stars). 2 submissions from 2 submitters: Uncertain significance (1); Likely benign (1). Last evaluated 2024-11-10.

Conditions:
Inborn genetic diseases. Identifiers: MedGen C0950123, MeSH D030342.

Allele frequency attached by ClinVar (database versions not stated): gnomAD exomes 0.00002 and 0.00004; gnomAD 0.00003; TOPMed 0.00003; ExAC 0.00005; ESP Exome Variant Server 0.00015.
gnomAD v4.1: 34 of 1,613,746 alleles (0.0021%); highest among the groups gnomAD compares: Non-Finnish European, 0.0027%; no homozygotes.

Submissions (2):

Ambry Genetics
Classification: Likely benign for Inborn genetic diseases. Last evaluated: 2024-11-10. Review status: criteria provided, single submitter. Criteria: Ambry Variant Classification Scheme 2023. Collection method: clinical testing. Allele origin: germline.

Labcorp Genetics (formerly Invitae), Labcorp
Classification: Uncertain significance. Last evaluated: 2024-02-02. Review status: criteria provided, single submitter. Criteria: Invitae Variant Classification Sherloc (09022015). Collection method: clinical testing. Allele origin: germline.
Comment: This sequence change replaces glutamic acid, which is acidic and polar, with lysine, which is basic and polar, at codon 23 of the GATAD2B protein (p.Glu23Lys). This variant is present in population databases (rs144946574, gnomAD 0.007%). This variant has not been reported in the literature in individuals affected with GATAD2B-related conditions. ClinVar contains an entry for this variant (Variation ID: 1516994). Advanced modeling of protein sequence and biophysical properties (such as structural, functional, and spatial information, amino acid conservation, physicochemical variation, residue mobility, and thermodynamic stability) performed at Invitae indicates that this missense variant is not expected to disrupt GATAD2B protein function with a negative predictive value of 80%. In summary, the available evidence is currently insufficient to determine the role of this variant in disease. Therefore, it has been classified as a Variant of Uncertain Significance.

NM_020699.4(GATAD2B):c.67G>A (p.Glu23Lys)

Gene: GATAD2B (GATA zinc finger domain containing 2B; minus strand). Cytogenetic location: 1q21.3.
Variant type: single nucleotide variant.
Coding change: c.67G>A on transcript NM_020699.4 (MANE Select); coding-DNA position 67, G replaced by A.
Protein change: p.Glu23Lys; replaces glutamic acid 23 with lysine.
Molecular consequence: missense variant.
Genome position (GRCh38, 1-based): chr1:153,828,281, C>T on the plus strand (G>A on the coding strand, the complement: GATAD2B is on the minus strand). VCF-style: chr1-153828281-C-T. GRCh37 (hg19) VCF-style: chr1-153800757-C-T.
Other names: c.67G>A (NM_020699.2); short protein forms E23K.
Identifiers: ClinVar variation 1516994 (VCV001516994.7), dbSNP rs144946574, ClinGen allele CA1120928.
Genomic context (GRCh38, chr1:153,828,281, plus strand): 5'-GACGTTCCATGGCCTCATGCCCCTCCATTTTGAGTCGCTTTGCCAGGACATCATCTCGCT[C>T]ATCTGCTGGGTCCAAGCTCCGCTTCAACAGATTCAAGCGAAGAGCATCTTCTGTCATTCT-3'
Protein context (NP_065750.1, residues 13-33): LLKRSLDPAD[Glu23Lys]RDDVLAKRLK